The following is an entry in ClinVar:

NM_021831.6(AGBL5):c.2423C>A (p.Thr808Lys)

Gene: AGBL5 (AGBL carboxypeptidase 5; plus strand). Cytogenetic location: 2p23.3.
Variant type: single nucleotide variant.
Coding change: c.2423C>A on transcript NM_021831.6 (MANE Select); coding-DNA position 2423, C replaced by A.
Protein change: p.Thr808Lys; replaces threonine 808 with lysine.
Molecular consequence: missense variant. On other transcripts: non-coding transcript variant (2).
Genome position (GRCh38, 1-based): chr2:27,069,640, C>A. VCF-style: chr2-27069640-C-A. GRCh37 (hg19) VCF-style: chr2-27292508-C-A.
Other names: c.2423C>A, p.Thr808Lys (NM_001035506.1); short protein forms T808K.
Identifiers: ClinVar variation 1971674 (VCV001971674.5), dbSNP rs373739651, ClinGen allele CA44460380.
Genomic context (GRCh38, chr2:27,069,640, plus strand): 5'-CCAGGTTGGGCCGGGGCTCACCGCCGACTCGCAGAGGGATGAAAGGCTCTTCAGGCCCCA[C>A]ATCCCCTACCCCCCGGACCAGGGAGAGCAGTGAGCTGGAGCTGGGATCCTGCTCTGCTAC-3'
Protein context (NP_068603.4, residues 798-818): RRGMKGSSGP[Thr808Lys]SPTPRTRESS

ClinVar aggregate classification (germline): Uncertain significance (1 of 4 stars; one submission).

Allele frequency attached by ClinVar (database versions not stated): gnomAD exomes below 0.00001; TOPMed 0.00002; ESP Exome Variant Server 0.00008.
gnomAD v4.1: 2 of 1,614,102 alleles (0.00012%); highest among the groups gnomAD compares: African/African-American, 0.0027%; no homozygotes.

Submission:

Labcorp Genetics (formerly Invitae), Labcorp
Classification: Uncertain significance. Last evaluated: 2022-08-12. Review status: criteria provided, single submitter. Criteria: Invitae Variant Classification Sherloc (09022015). Collection method: clinical testing. Allele origin: germline.
Comment: This variant has not been reported in the literature in individuals affected with AGBL5-related conditions. In summary, the available evidence is currently insufficient to determine the role of this variant in disease. Therefore, it has been classified as a Variant of Uncertain Significance. Algorithms developed to predict the effect of missense changes on protein structure and function are either unavailable or do not agree on the potential impact of this missense change (SIFT: "Deleterious"; PolyPhen-2: "Benign"; Align-GVGD: "Class C0"). This variant is not present in population databases (gnomAD no frequency). This sequence change replaces threonine, which is neutral and polar, with lysine, which is basic and polar, at codon 808 of the AGBL5 protein (p.Thr808Lys).